The following is an entry in ClinVar:

NM_004706.4(ARHGEF1):c.439C>A (p.Gln147Lys)

Gene: ARHGEF1 (Rho guanine nucleotide exchange factor 1; plus strand). Cytogenetic location: 19q13.2.
Variant type: single nucleotide variant.
Coding change: c.439C>A on transcript NM_004706.4 (MANE Select); coding-DNA position 439, C replaced by A.
Protein change: p.Gln147Lys; replaces glutamine 147 with lysine.
Molecular consequence: missense variant. On other transcripts: non-coding transcript variant (2).
Genome position (GRCh38, 1-based): chr19:41,892,674, C>A. VCF-style: chr19-41892674-C-A. GRCh37 (hg19) VCF-style: chr19-42396745-C-A.
Other names: c.439C>A, p.Gln147Lys (NM_001396000.1, NM_001396003.1, NM_001396006.1); c.340C>A, p.Gln114Lys (NM_001396002.1, NM_001396004.1, NM_198977.2); c.484C>A, p.Gln162Lys (NM_199002.2); short protein forms Q114K, Q162K, Q147K.
Identifiers: ClinVar variation 2754960 (VCV002754960.3), dbSNP rs2513787106, ClinGen allele CA406047914.

ClinVar aggregate classification (germline): Uncertain significance (1 of 4 stars; one submission).

Submission:

Labcorp Genetics (formerly Invitae), Labcorp
Classification: Uncertain significance. Last evaluated: 2023-08-24. Review status: criteria provided, single submitter. Criteria: Invitae Variant Classification Sherloc (09022015). Collection method: clinical testing. Allele origin: germline.
Comment: In summary, the available evidence is currently insufficient to determine the role of this variant in disease. Therefore, it has been classified as a Variant of Uncertain Significance. An algorithm developed to predict the effect of missense changes on protein structure and function (PolyPhen-2) suggests that this variant is likely to be disruptive. This variant has not been reported in the literature in individuals affected with ARHGEF1-related conditions. This variant is not present in population databases (gnomAD no frequency). This sequence change replaces glutamine, which is neutral and polar, with lysine, which is basic and polar, at codon 162 of the ARHGEF1 protein (p.Gln162Lys).